The following is an entry in ClinVar:

ClinVar aggregate classification (germline): Uncertain significance (1 of 4 stars; one submission).

Allele frequency attached by ClinVar (database versions not stated): ExAC 0.00001; gnomAD 0.00003 and 0.00002; gnomAD exomes 0.00001.
gnomAD v4.1: 22 of 1,611,988 alleles (0.0014%); highest among the groups gnomAD compares: South Asian, 0.0066%; no homozygotes.

Submission:

ARUP Laboratories, Molecular Genetics and Genomics, ARUP Laboratories
Classification: Uncertain significance. Last evaluated: 2018-12-17. Review status: criteria provided, single submitter. Criteria: ARUP Molecular Germline Variant Investigation Process. Collection method: clinical testing. Allele origin: germline.
Comment: The MYH14 c.4492C>T; p.Arg1498Cys variant (rs770767114), to our knowledge, is not reported in the medical literature or gene specific databases. This variant is found in the general population with an overall allele frequency of 0.001% (3/274002 alleles) in the Genome Aggregation Database. The arginine at codon 1498 is highly conserved, and computational analyses (SIFT, PolyPhen-2) predict that this variant is deleterious. However, given the lack of clinical and functional data, the significance of the p.Arg1498Cys variant is uncertain at this time.

NM_001145809.2(MYH14):c.4615C>T (p.Arg1539Cys)

Gene: MYH14 (myosin heavy chain 14; plus strand). Cytogenetic location: 19q13.33.
Variant type: single nucleotide variant.
Coding change: c.4615C>T on transcript NM_001145809.2 (MANE Select); coding-DNA position 4615, C replaced by T.
Protein change: p.Arg1539Cys; replaces arginine 1539 with cysteine.
Molecular consequence: missense variant.
Genome position (GRCh38, 1-based): chr19:50,286,557, C>T. VCF-style: chr19-50286557-C-T. GRCh37 (hg19) VCF-style: chr19-50789814-C-T.
Other names: c.4516C>T, p.Arg1506Cys (NM_001077186.2); c.4492C>T, p.Arg1498Cys (NM_024729.4); short protein forms R1498C, R1506C, R1539C.
Identifiers: ClinVar variation 811220 (VCV000811220.8), dbSNP rs770767114, ClinGen allele CA9593559.
Genomic context (GRCh38, chr19:50,286,557, plus strand): 5'-AAGGCAGCTGTACTTCGGGCAGTGGAGGAACGTGAGCGGGCCGAGGCAGAGGGCCGGGAG[C>T]GTGAGGCTCGGGCCCTGTCACTGACACGGGCACTGGAGGAGGAGCAGGAGGCACGTGAGG-3'
Protein context (NP_001139281.1, residues 1529-1549): RERAEAEGRE[Arg1539Cys]EARALSLTRA